The following is an entry in ClinVar:

ClinVar aggregate classification (germline): Uncertain significance (1 of 4 stars; one submission).

Conditions:
Congenital myasthenic syndrome 2A. Also called: Myasthenic syndrome, congenital, 2a, slow-channel. Identifiers: Orphanet 590, MedGen C4225374, MONDO:0014581, OMIM 616313.

Submission:

Labcorp Genetics (formerly Invitae), Labcorp
Classification: Uncertain significance for Congenital myasthenic syndrome 2A. Last evaluated: 2022-08-19. Review status: criteria provided, single submitter. Criteria: Invitae Variant Classification Sherloc (09022015). Collection method: clinical testing. Allele origin: germline.
Comment: In summary, the available evidence is currently insufficient to determine the role of this variant in disease. Therefore, it has been classified as a Variant of Uncertain Significance. Algorithms developed to predict the effect of missense changes on protein structure and function are either unavailable or do not agree on the potential impact of this missense change (SIFT: "Tolerated"; PolyPhen-2: "Not Available"; Align-GVGD: "Class C0"). This variant has not been reported in the literature in individuals affected with CHRNB1-related conditions. This variant is not present in population databases (gnomAD no frequency). This sequence change replaces leucine, which is neutral and non-polar, with proline, which is neutral and non-polar, at codon 13 of the CHRNB1 protein (p.Leu13Pro).

NM_000747.3(CHRNB1):c.38T>C (p.Leu13Pro)

Genes: CHRNB1 (cholinergic receptor nicotinic beta 1 subunit; plus strand), LOC130060147 (ATAC-STARR-seq lymphoblastoid silent region 8121; plus strand). Cytogenetic location: 17p13.1.
Variant type: single nucleotide variant.
Coding change: c.38T>C on transcript NM_000747.3 (MANE Select); coding-DNA position 38, T replaced by C.
Protein change: p.Leu13Pro; replaces leucine 13 with proline.
Molecular consequence: missense variant.
Genome position (GRCh38, 1-based): chr17:7,445,165, T>C. VCF-style: chr17-7445165-T-C. GRCh37 (hg19) VCF-style: chr17-7348484-T-C.
Other names: short protein forms L13P.
Identifiers: ClinVar variation 1984864 (VCV001984864.4), dbSNP rs2507845060, ClinGen allele CA397786325.